The following is an entry in ClinVar:

ClinVar aggregate classification (germline): Uncertain significance (1 of 4 stars; one submission).

Allele frequency attached by ClinVar (database versions not stated): gnomAD exomes below 0.00001.
gnomAD v4.1: 1 of 1,614,112 alleles (0.000062%); highest among the groups gnomAD compares: African/African-American, 0.0013%; no homozygotes.

Submission:

Labcorp Genetics (formerly Invitae), Labcorp
Classification: Uncertain significance. Last evaluated: 2020-05-06. Review status: criteria provided, single submitter. Criteria: Invitae Variant Classification Sherloc (09022015). Collection method: clinical testing. Allele origin: germline.
Comment: This sequence change replaces threonine with alanine at codon 525 of the COL4A4 protein (p.Thr525Ala). The threonine residue is weakly conserved and there is a small physicochemical difference between threonine and alanine. This variant is not present in population databases (ExAC no frequency). This variant has not been reported in the literature in individuals with COL4A4-related conditions. Algorithms developed to predict the effect of missense changes on protein structure and function (SIFT, PolyPhen-2, Align-GVGD) all suggest that this variant is likely to be tolerated, but these predictions have not been confirmed by published functional studies and their clinical significance is uncertain. In summary, the available evidence is currently insufficient to determine the role of this variant in disease. Therefore, it has been classified as a Variant of Uncertain Significance.

NM_000092.5(COL4A4):c.1573A>G (p.Thr525Ala)

Gene: COL4A4 (collagen type IV alpha 4 chain; minus strand). Cytogenetic location: 2q36.3.
Variant type: single nucleotide variant.
Coding change: c.1573A>G on transcript NM_000092.5 (MANE Select); coding-DNA position 1573, A replaced by G.
Protein change: p.Thr525Ala; replaces threonine 525 with alanine.
Molecular consequence: missense variant.
Genome position (GRCh38, 1-based): chr2:227,088,703, T>C on the plus strand (A>G on the coding strand, the complement: COL4A4 is on the minus strand). VCF-style: chr2-227088703-T-C. GRCh37 (hg19) VCF-style: chr2-227953419-T-C.
Other names: short protein forms T525A.
Identifiers: ClinVar variation 1959201 (VCV001959201.2), dbSNP rs2475024662, ClinGen allele CA350849809.